The following is an entry in ClinVar:

ClinVar aggregate classification (germline): Uncertain significance (1 of 4 stars; one submission).

Allele frequency attached by ClinVar (database versions not stated): TOPMed below 0.00001; gnomAD exomes 0.00002; ExAC 0.00003.
gnomAD v4.1: 6 of 1,613,884 alleles (0.00037%); highest among the groups gnomAD compares: Non-Finnish European, 0.00042%; no homozygotes.

Submission:

Labcorp Genetics (formerly Invitae), Labcorp
Classification: Uncertain significance. Last evaluated: 2024-09-22. Review status: criteria provided, single submitter. Criteria: Invitae Variant Classification Sherloc (09022015). Collection method: clinical testing. Allele origin: germline.
Comment: This sequence change replaces proline, which is neutral and non-polar, with serine, which is neutral and polar, at codon 669 of the COL4A3 protein (p.Pro669Ser). This variant is present in population databases (rs760523928, gnomAD 0.004%). This variant has not been reported in the literature in individuals affected with COL4A3-related conditions. ClinVar contains an entry for this variant (Variation ID: 1513946). Invitae Evidence Modeling of protein sequence and biophysical properties (such as structural, functional, and spatial information, amino acid conservation, physicochemical variation, residue mobility, and thermodynamic stability) indicates that this missense variant is not expected to disrupt COL4A3 protein function with a negative predictive value of 95%. In summary, the available evidence is currently insufficient to determine the role of this variant in disease. Therefore, it has been classified as a Variant of Uncertain Significance.

NM_000091.5(COL4A3):c.2005C>T (p.Pro669Ser)

Genes: COL4A3 (collagen type IV alpha 3 chain; plus strand), MFF-DT (MFF divergent transcript; minus strand). Cytogenetic location: 2q36.3.
Variant type: single nucleotide variant.
Coding change: c.2005C>T on transcript NM_000091.5 (MANE Select); coding-DNA position 2005, C replaced by T.
Protein change: p.Pro669Ser; replaces proline 669 with serine.
Molecular consequence: missense variant.
Genome position (GRCh38, 1-based): chr2:227,276,462, C>T. VCF-style: chr2-227276462-C-T. GRCh37 (hg19) VCF-style: chr2-228141178-C-T.
Other names: short protein forms P669S.
Identifiers: ClinVar variation 1513946 (VCV001513946.7), dbSNP rs760523928, ClinGen allele CA2146823.